The following is an entry in ClinVar:

NM_006384.4(CIB1):c.361G>A (p.Gly121Arg)

Gene: CIB1 (calcium and integrin binding 1; minus strand). Cytogenetic location: 15q26.1.
Variant type: single nucleotide variant.
Coding change: c.361G>A on transcript NM_006384.4 (MANE Select); coding-DNA position 361, G replaced by A.
Protein change: p.Gly121Arg; replaces glycine 121 with arginine.
Molecular consequence: missense variant. On other transcripts: non-coding transcript variant (2).
Genome position (GRCh38, 1-based): chr15:90,231,199, C>T on the plus strand (G>A on the coding strand, the complement: CIB1 is on the minus strand). VCF-style: chr15-90231199-C-T. GRCh37 (hg19) VCF-style: chr15-90774431-C-T.
Other names: c.481G>A, p.Gly161Arg (NM_001277764.2); c.361G>A (NM_006384.3); short protein forms G121R, G161R.
Identifiers: ClinVar variation 1449746 (VCV001449746.4), dbSNP rs766491256, ClinGen allele CA7734201.

ClinVar aggregate classification (germline): Uncertain significance. Review status: criteria provided, multiple submitters, no conflicts (2 of 4 stars). 2 submissions from 2 submitters: Uncertain significance (2). Last evaluated 2024-05-28.

Allele frequency attached by ClinVar (database versions not stated): ExAC 0.00002; gnomAD exomes 0.00002; gnomAD 0.00006 and 0.00007; TOPMed 0.00008.
gnomAD v4.1: 30 of 1,600,686 alleles (0.0019%); highest among the groups gnomAD compares: African/African-American, 0.025%; no homozygotes.

Submissions (2):

Ambry Genetics
Classification: Uncertain significance. Last evaluated: 2024-05-28. Review status: criteria provided, single submitter. Criteria: Ambry Variant Classification Scheme 2023. Collection method: clinical testing. Allele origin: germline.

Labcorp Genetics (formerly Invitae), Labcorp
Classification: Uncertain significance. Last evaluated: 2022-07-19. Review status: criteria provided, single submitter. Criteria: Invitae Variant Classification Sherloc (09022015). Collection method: clinical testing. Allele origin: germline.
Comment: This sequence change replaces glycine, which is neutral and non-polar, with arginine, which is basic and polar, at codon 161 of the CIB1 protein (p.Gly161Arg). This variant is present in population databases (rs766491256, gnomAD 0.02%). This variant has not been reported in the literature in individuals affected with CIB1-related conditions. ClinVar contains an entry for this variant (Variation ID: 1449746). Algorithms developed to predict the effect of missense changes on protein structure and function are either unavailable or do not agree on the potential impact of this missense change (SIFT: "Deleterious"; PolyPhen-2: "Not Available"; Align-GVGD: "Class C0"). In summary, the available evidence is currently insufficient to determine the role of this variant in disease. Therefore, it has been classified as a Variant of Uncertain Significance.